The following is an entry in ClinVar:

NM_000548.5(TSC2):c.3902A>G (p.Glu1301Gly)

Gene: TSC2 (TSC complex subunit 2; plus strand). Cytogenetic location: 16p13.3.
Variant type: single nucleotide variant.
Coding change: c.3902A>G on transcript NM_000548.5 (MANE Select); coding-DNA position 3902, A replaced by G.
Protein change: p.Glu1301Gly; replaces glutamic acid 1301 with glycine.
Molecular consequence: missense variant.
Genome position (GRCh38, 1-based): chr16:2,083,713, A>G. VCF-style: chr16-2083713-A-G. GRCh37 (hg19) VCF-style: chr16-2133714-A-G.
Other names: c.3701A>G, p.Glu1234Gly (NM_001077183.3); c.3833A>G, p.Glu1278Gly (NM_001114382.3); c.3593A>G, p.Glu1198Gly (NM_001318827.2); c.3557A>G, p.Glu1186Gly (NM_001318829.2); c.3170A>G, p.Glu1057Gly (NM_001318831.2); c.3734A>G, p.Glu1245Gly (NM_001318832.2); c.3704A>G, p.Glu1235Gly (NM_001363528.2); c.3770A>G, p.Glu1257Gly (NM_001370404.1); and 2 more; short protein forms E1057G, E1198G, E1234G, E1245G, E1257G, E1301G, E1278G, E1186G.
Identifiers: ClinVar variation 1396339 (VCV001396339.7), dbSNP rs2090419224, ClinGen allele CA394296847.

ClinVar aggregate classification (germline): Uncertain significance. Review status: criteria provided, multiple submitters, no conflicts (2 of 4 stars). 2 submissions from 2 submitters: Uncertain significance (2). Last evaluated 2026-08-02.

Conditions:
Hereditary cancer-predisposing syndrome. Also called: Hereditary Cancer Syndrome; Neoplastic Syndromes, Hereditary; Hereditary neoplastic syndrome; Tumor predisposition. Identifiers: Orphanet 140162, MedGen C0027672, MeSH D009386, MONDO:0015356.
Tuberous sclerosis 2 (TSC2). Identifiers: Orphanet 805, MedGen C1860707, MONDO:0013199, OMIM 613254.

Allele frequency attached by ClinVar (database versions not stated): gnomAD exomes below 0.00001; gnomAD 0.00001.
gnomAD v4.1: 1 of 1,592,060 alleles (0.000063%); highest among the groups gnomAD compares: Non-Finnish European, 0.000085%; no homozygotes.

Submissions (2):

Ambry Genetics
Classification: Uncertain significance for Hereditary cancer-predisposing syndrome. Last evaluated: 2026-08-02. Review status: criteria provided, single submitter. Criteria: Ambry Variant Classification Scheme 2023. Collection method: clinical testing. Allele origin: germline.
Comment: The p.E1301G variant (also known as c.3902A>G), located in coding exon 32 of the TSC2 gene, results from an A to G substitution at nucleotide position 3902. The glutamic acid at codon 1301 is replaced by glycine, an amino acid with similar properties. This amino acid position is conserved. In addition, the in silico prediction for this alteration is inconclusive. Based on the available evidence, the clinical significance of this variant remains unclear.

Labcorp Genetics (formerly Invitae), Labcorp
Classification: Uncertain significance for Tuberous sclerosis 2. Last evaluated: 2024-06-29. Review status: criteria provided, single submitter. Criteria: Invitae Variant Classification Sherloc (09022015). Collection method: clinical testing. Allele origin: germline.
Comment: This sequence change replaces glutamic acid, which is acidic and polar, with glycine, which is neutral and non-polar, at codon 1301 of the TSC2 protein (p.Glu1301Gly). This variant is not present in population databases (gnomAD no frequency). This variant has not been reported in the literature in individuals affected with TSC2-related conditions. ClinVar contains an entry for this variant (Variation ID: 1396339). Advanced modeling of protein sequence and biophysical properties (such as structural, functional, and spatial information, amino acid conservation, physicochemical variation, residue mobility, and thermodynamic stability) performed at Invitae indicates that this missense variant is not expected to disrupt TSC2 protein function with a negative predictive value of 95%. In summary, the available evidence is currently insufficient to determine the role of this variant in disease. Therefore, it has been classified as a Variant of Uncertain Significance.